The following is an entry in ClinVar:

ClinVar aggregate classification (germline): Benign. Review status: criteria provided, multiple submitters, no conflicts (2 of 4 stars). 8 submissions from 7 submitters: Benign (8). Last evaluated 2026-02-03.

Conditions:
Charcot-Marie-Tooth disease. Also called: Charcot-Marie-Tooth Hereditary Neuropathy; Charcot-Marie-Tooth Neuropathy. Identifiers: Orphanet 166, MedGen C0007959, MONDO:0015626.
Charcot-Marie-Tooth disease type 2. Also called: Charcot-Marie-Tooth type 2. Identifiers: Orphanet 64746, MedGen C0270914, MONDO:0018993.
Hereditary motor and sensory neuropathy with optic atrophy. Also called: CHARCOT-MARIE-TOOTH DISEASE, TYPE 6; PERIPHERAL NEUROPATHY AND OPTIC ATROPHY. Identifiers: Orphanet 90120, MedGen C0393807, MONDO:0019551.

Allele frequency attached by ClinVar (database versions not stated): gnomAD exomes 0.05874 and 0.06225; ExAC 0.06478; gnomAD 0.07571 and 0.07587; TOPMed 0.07958; ESP Exome Variant Server 0.08181; 1000 Genomes Project 30x 0.10041; 1000 Genomes Project 0.10284.
gnomAD v4.1: 97,795 of 1,614,036 alleles (6.1%); highest among the groups gnomAD compares: African/African-American, 12%; 3,451 homozygotes.

Submissions (8):

Labcorp Genetics (formerly Invitae), Labcorp
Classification: Benign for Charcot-Marie-Tooth disease type 2. Last evaluated: 2026-02-03. Review status: criteria provided, single submitter. Criteria: Invitae Variant Classification Sherloc (09022015). Collection method: clinical testing. Allele origin: germline.

Blueprint Genetics
Classification: Benign. Last evaluated: 2024-11-26. Review status: criteria provided, single submitter. Criteria: ACMG Guidelines, 2015. Collection method: clinical testing. Allele origin: germline.

Illumina Laboratory Services, Illumina
Classification: Benign for Charcot-Marie-Tooth disease, type 2. Last evaluated: 2018-01-12. Review status: criteria provided, single submitter. Criteria: ICSL Variant Classification Criteria 13 December 2019. Collection method: clinical testing. Allele origin: germline.
Comment: This variant was observed in the ICSL laboratory as part of a predisposition screen in an ostensibly healthy population. It had not been previously curated by ICSL or reported in the Human Gene Mutation Database (HGMD: prior to June 1st, 2018), and was therefore a candidate for classification through an automated scoring system. Utilizing variant allele frequency, disease prevalence and penetrance estimates, and inheritance mode, an automated score was calculated to assess if this variant is too frequent to cause the disease. Based on the score and internal cut-off values, a variant classified as benign is not then subjected to further curation. The score for this variant resulted in a classification of benign for this disease.

Illumina Laboratory Services, Illumina
Classification: Benign for Neuropathy, hereditary motor and sensory, type 6A. Last evaluated: 2018-01-12. Review status: criteria provided, single submitter. Criteria: ICSL Variant Classification Criteria 13 December 2019. Collection method: clinical testing. Allele origin: germline.
Comment: the same text as in the submission from Illumina Laboratory Services, Illumina above.

GeneDx
Classification: Benign. Last evaluated: 2013-10-24. Review status: criteria provided, single submitter. Criteria: GeneDx Variant Classification (06012015). Collection method: clinical testing. Allele origin: germline. Affected: yes.
Comment: This variant is considered likely benign or benign based on one or more of the following criteria: it is a conservative change, it occurs at a poorly conserved position in the protein, it is predicted to be benign by multiple in silico algorithms, and/or has population frequency not consistent with disease.

Breakthrough Genomics
Classification: Benign. Review status: criteria provided, single submitter. Criteria: ACMG Guidelines, 2015. Collection method: not provided. Allele origin: germline. Inheritance: Autosomal recessive inheritance. Affected: yes.

Molecular Genetics Laboratory, London Health Sciences Centre
Classification: Benign for Charcot-Marie-Tooth disease. Review status: criteria provided, single submitter. Criteria: ACMG Guidelines, 2015. Collection method: clinical testing. Allele origin: germline. Affected: yes.

PreventionGenetics, part of Exact Sciences
Classification: Benign. Review status: criteria provided, single submitter. Criteria: ACMG Guidelines, 2015. Collection method: clinical testing. Allele origin: germline.

NM_014874.4(MFN2):c.2204+15T>C

Gene: MFN2 (mitofusin 2; plus strand). Cytogenetic location: 1p36.22.
Variant type: single nucleotide variant.
Coding change: c.2204+15T>C on transcript NM_014874.4 (MANE Select); 15 bases into the intron after coding-DNA position 2204, T replaced by C.
Molecular consequence: intron variant.
Genome position (GRCh38, 1-based): chr1:12,009,741, T>C. VCF-style: chr1-12009741-T-C. GRCh37 (hg19) VCF-style: chr1-12069798-T-C.
Other names: c.2204+15T>C (NM_001127660.2).
Identifiers: ClinVar variation 138218 (VCV000138218.17), dbSNP rs77262016, ClinGen allele CA292081.